The following is an entry in ClinVar:

ClinVar aggregate classification (germline): Conflicting classifications of pathogenicity. Review status: criteria provided, conflicting classifications (1 of 4 stars). 4 submissions from 4 submitters: Uncertain significance (2); Benign (1); Likely benign (1). Last evaluated 2025-12-30.

Conditions:
Inborn genetic diseases. Identifiers: MedGen C0950123, MeSH D030342.
Pseudohypoaldosteronism type 2B (PHA2B). Also called: Pseudohypoaldosteronism Type IIB. Identifiers: Orphanet 757, Orphanet 88939, MedGen C1840390, MONDO:0013777, OMIM 614491.

Allele frequency attached by ClinVar (database versions not stated): ESP Exome Variant Server 0.00008; gnomAD 0.00008 and 0.00009; gnomAD exomes 0.00008; TOPMed 0.00008; ExAC 0.00012; 1000 Genomes Project 30x 0.00031; 1000 Genomes Project 0.00040.
gnomAD v4.1: 188 of 1,614,128 alleles (0.012%); highest among the groups gnomAD compares: East Asian, 0.016%; 1 homozygote.

Submissions (4):

Women's Health and Genetics/Laboratory Corporation of America, LabCorp
Classification: Uncertain significance. Last evaluated: 2025-12-30. Review status: criteria provided, single submitter. Criteria: LabCorp Variant Classification Summary - May 2015. Collection method: clinical testing. Allele origin: germline.
Comment: Variant summary: WNK4 c.1574G>A (p.Arg525His) results in a non-conservative amino acid change in the encoded protein sequence. Algorithms developed to predict the effect of missense changes on protein structure and function are either unavailable or do not agree on the potential impact of this missense change. The variant allele was found at a frequency of 7.6e-05 in 251438 control chromosomes. This frequency is not significantly higher than estimated for disease-causing variants in WNK4, allowing no conclusion about variant significance. To our knowledge, no occurrence of c.1574G>A in individuals affected with WNK4-related conditions and no experimental evidence demonstrating its impact on protein function have been reported. ClinVar contains an entry for this variant (Variation ID: 323322). Based on the evidence outlined above, the variant was classified as uncertain significance.

Ambry Genetics
Classification: Uncertain significance for Inborn genetic diseases. Last evaluated: 2025-05-17. Review status: criteria provided, single submitter. Criteria: Ambry Variant Classification Scheme 2023. Collection method: clinical testing. Allele origin: germline.

Fulgent Genetics
Classification: Likely benign for Pseudohypoaldosteronism type 2B. Last evaluated: 2024-03-22. Review status: criteria provided, single submitter. Criteria: ACMG Guidelines, 2015. Collection method: clinical testing. Allele origin: germline.

Illumina Laboratory Services, Illumina
Classification: Benign for Pseudohypoaldosteronism type 2B. Last evaluated: 2018-01-12. Review status: criteria provided, single submitter. Criteria: ICSL Variant Classification Criteria 13 December 2019. Collection method: clinical testing. Allele origin: germline.
Comment: This variant was observed in the ICSL laboratory as part of a predisposition screen in an ostensibly healthy population. It had not been previously curated by ICSL or reported in the Human Gene Mutation Database (HGMD: prior to June 1st, 2018), and was therefore a candidate for classification through an automated scoring system. Utilizing variant allele frequency, disease prevalence and penetrance estimates, and inheritance mode, an automated score was calculated to assess if this variant is too frequent to cause the disease. Based on the score and internal cut-off values, a variant classified as benign is not then subjected to further curation. The score for this variant resulted in a classification of benign for this disease.

NM_032387.5(WNK4):c.1574G>A (p.Arg525His)

Gene: WNK4 (WNK lysine deficient protein kinase 4; plus strand). Cytogenetic location: 17q21.2.
Variant type: single nucleotide variant.
Coding change: c.1574G>A on transcript NM_032387.5 (MANE Select); coding-DNA position 1574, G replaced by A.
Protein change: p.Arg525His; replaces arginine 525 with histidine.
Molecular consequence: missense variant.
Genome position (GRCh38, 1-based): chr17:42,787,375, G>A. VCF-style: chr17-42787375-G-A. GRCh37 (hg19) VCF-style: chr17-40939393-G-A.
Other names: c.566G>A, p.Arg189His (NM_001321299.2); short protein forms R525H, R189H.
Identifiers: ClinVar variation 323322 (VCV000323322.8), dbSNP rs200182836, ClinGen allele CA8584029.